The following is an entry in ClinVar:

NM_138621.5(BCL2L11):c.575G>A (p.Arg192His)

Gene: BCL2L11 (BCL2 like 11; plus strand). Cytogenetic location: 2q13.
Variant type: single nucleotide variant.
Coding change: c.575G>A on transcript NM_138621.5 (MANE Select); coding-DNA position 575, G replaced by A.
Protein change: p.Arg192His; replaces arginine 192 with histidine.
Molecular consequence: missense variant. On other transcripts: 3 prime UTR variant (13).
Genome position (GRCh38, 1-based): chr2:111,164,209, G>A. VCF-style: chr2-111164209-G-A. GRCh37 (hg19) VCF-style: chr2-111921786-G-A.
Other names: c.305G>A, p.Arg102His (NM_001204106.2); c.*244G>A (NM_001204107.1); c.*188G>A (NM_001204108.1, NM_001204110.2); c.*173G>A (NM_001204109.2, NM_001204112.2); c.*63G>A (NM_001204111.2, NM_138626.4, NM_138627.4); c.395G>A, p.Arg132His (NM_006538.5); c.*190G>A (NM_138622.4, NM_138623.4, NM_207003.3); c.*200G>A (NM_138624.4); and 1 more; short protein forms R102H, R132H, R192H.
Identifiers: ClinVar variation 3347063 (VCV003347063.1).

ClinVar aggregate classification (germline): Uncertain significance (0 of 4 stars; one submission).

Conditions:
BCL2L11-related condition.

gnomAD v4.1: 13 of 1,611,834 alleles (0.00081%); highest among the groups gnomAD compares: Middle Eastern, 0.016%; no homozygotes.

Submission:

PreventionGenetics, part of Exact Sciences
Classification: Uncertain significance for BCL2L11-related condition. Last evaluated: 2024-05-22. Review status: no assertion criteria provided. Collection method: clinical testing. Allele origin: germline.
Comment: The BCL2L11 c.575G>A variant is predicted to result in the amino acid substitution p.Arg192His. To our knowledge, this variant has not been reported in the literature. This variant is reported in 0.011% of alleles in individuals of African descent in gnomAD. At this time, the clinical significance of this variant is uncertain due to the absence of conclusive functional and genetic evidence.